The following is an entry in ClinVar:

ClinVar aggregate classification (germline): Likely pathogenic (1 of 4 stars; one submission).

Submission:

Labcorp Genetics (formerly Invitae), Labcorp
Classification: Likely pathogenic. Last evaluated: 2021-12-03. Review status: criteria provided, single submitter. Criteria: Invitae Variant Classification Sherloc (09022015). Collection method: clinical testing. Allele origin: germline.
Comment: This variant is not present in population databases (gnomAD no frequency). In summary, the currently available evidence indicates that the variant is pathogenic, but additional data are needed to prove that conclusively. Therefore, this variant has been classified as Likely Pathogenic. Algorithms developed to predict the effect of sequence changes on RNA splicing suggest that this variant may disrupt the consensus splice site. This variant has not been reported in the literature in individuals affected with SCP2-related conditions. This sequence change affects an acceptor splice site in intron 11 of the SCP2 gene. It is expected to disrupt RNA splicing. Variants that disrupt the donor or acceptor splice site typically lead to a loss of protein function (PMID: 16199547), and loss-of-function variants in SCP2 are known to be pathogenic (PMID: 16685654, 26497993).

Literature cited by the submitters: PubMed 16199547; PubMed 16685654; PubMed 26497993.

NM_002979.5(SCP2):c.1082-1G>C

Genes: SCP2 (sterol carrier protein 2; plus strand), LOC129930559 (ATAC-STARR-seq lymphoblastoid active region 1040; plus strand). Cytogenetic location: 1p32.3.
Variant type: single nucleotide variant.
Coding change: c.1082-1G>C on transcript NM_002979.5 (MANE Select); the canonical splice acceptor site of the intron before coding-DNA position 1082, G replaced by C.
Molecular consequence: splice acceptor variant.
Genome position (GRCh38, 1-based): chr1:53,014,889, G>C. VCF-style: chr1-53014889-G-C. GRCh37 (hg19) VCF-style: chr1-53480561-G-C.
Other names: c.950-1G>C (NM_001193600.2); c.1010-1G>C (NM_001193599.2); c.839-1G>C (NM_001193617.2).
Identifiers: ClinVar variation 1483963 (VCV001483963.8), dbSNP rs1557609323, ClinGen allele CA340385721.